The following is an entry in ClinVar:

NM_015338.6(ASXL1):c.1859G>A (p.Arg620His)

Gene: ASXL1 (ASXL transcriptional regulator 1; plus strand). Cytogenetic location: 20q11.21.
Variant type: single nucleotide variant.
Coding change: c.1859G>A on transcript NM_015338.6 (MANE Select); coding-DNA position 1859, G replaced by A.
Protein change: p.Arg620His; replaces arginine 620 with histidine.
Molecular consequence: missense variant.
Genome position (GRCh38, 1-based): chr20:32,434,571, G>A. VCF-style: chr20-32434571-G-A. GRCh37 (hg19) VCF-style: chr20-31022374-G-A.
Other names: c.1676G>A, p.Arg559His (NM_001363734.1); short protein forms R620H, R559H.
Identifiers: ClinVar variation 1428194 (VCV001428194.6), dbSNP rs750708574, ClinGen allele CA9808467.

ClinVar aggregate classification (germline): Uncertain significance (1 of 4 stars; one submission).

Allele frequency attached by ClinVar (database versions not stated): TOPMed 0.00002; ExAC 0.00003.
gnomAD v4.1: 18 of 1,613,548 alleles (0.0011%); highest among the groups gnomAD compares: African/African-American, 0.0027%; no homozygotes.

Submission:

Labcorp Genetics (formerly Invitae), Labcorp
Classification: Uncertain significance. Last evaluated: 2025-12-16. Review status: criteria provided, single submitter. Criteria: Invitae Variant Classification Sherloc (09022015). Collection method: clinical testing. Allele origin: germline.
Comment: This sequence change replaces arginine, which is basic and polar, with histidine, which is basic and polar, at codon 620 of the ASXL1 protein (p.Arg620His). This variant is present in population databases (rs750708574, gnomAD 0.01%). This variant has not been reported in the literature in individuals affected with ASXL1-related conditions. ClinVar contains an entry for this variant (Variation ID: 1428194). An algorithm developed to predict the effect of missense changes on protein structure and function (PolyPhen-2) suggests that this variant is likely to be tolerated. In summary, the available evidence is currently insufficient to determine the role of this variant in disease. Therefore, it has been classified as a Variant of Uncertain Significance.